The following is an entry in ClinVar:

NM_000173.7(GP1BA):c.1224G>T (p.Pro408=)

Gene: GP1BA (glycoprotein Ib platelet subunit alpha; plus strand). Cytogenetic location: 17p13.2.
Variant type: single nucleotide variant.
Coding change: c.1224G>T on transcript NM_000173.7 (MANE Select); coding-DNA position 1224, G replaced by T.
Protein change: p.Pro408=; no amino-acid change (proline 408 retained).
Molecular consequence: synonymous variant.
Genome position (GRCh38, 1-based): chr17:4,933,828, G>T. VCF-style: chr17-4933828-G-T. GRCh37 (hg19) VCF-style: chr17-4837123-G-T.
Identifiers: ClinVar variation 3257538 (VCV003257538.17).

ClinVar aggregate classification (germline): Likely benign (1 of 4 stars; one submission).

gnomAD v4.1: 3 of 1,477,286 alleles (0.0002%); highest among the groups gnomAD compares: Non-Finnish European, 0.00027%; no homozygotes.

Submission:

CeGaT Center for Human Genetics Tuebingen
Classification: Likely benign. Last evaluated: 2024-07-01. Review status: criteria provided, single submitter. Criteria: CeGaT Center For Human Genetics Tuebingen Variant Classification Criteria Version 2. Collection method: clinical testing. Allele origin: germline. Affected: yes. Observed: 1 variant allele.
Comment: GP1BA: BP4, BP7